The following is an entry in ClinVar:

ClinVar aggregate classification (germline): Uncertain significance. Review status: criteria provided, multiple submitters, no conflicts (2 of 4 stars). 2 submissions from 2 submitters: Uncertain significance (2). Last evaluated 2025-05-20.

Conditions:
Oligodontia-cancer predisposition syndrome. Also called: TOOTH AGENESIS-COLORECTAL CANCER SYNDROME. Identifiers: Orphanet 300576, MedGen C1837750, MONDO:0012075, OMIM 608615. Disease mechanism: loss of function.
Hereditary cancer-predisposing syndrome. Also called: Tumor predisposition; Neoplastic Syndromes, Hereditary; Hereditary neoplastic syndrome; Hereditary Cancer Syndrome. Identifiers: Orphanet 140162, MedGen C0027672, MeSH D009386, MONDO:0015356.

gnomAD v4.1: 2 of 1,612,576 alleles (0.00012%); highest among the groups gnomAD compares: Non-Finnish European, 0.00017%; no homozygotes.

Submissions (2):

Labcorp Genetics (formerly Invitae), Labcorp
Classification: Uncertain significance for Oligodontia-cancer predisposition syndrome. Last evaluated: 2025-05-20. Review status: criteria provided, single submitter. Criteria: Invitae Variant Classification Sherloc (09022015). Collection method: clinical testing. Allele origin: germline.
Comment: This sequence change replaces arginine, which is basic and polar, with lysine, which is basic and polar, at codon 595 of the AXIN2 protein (p.Arg595Lys). This variant is not present in population databases (gnomAD no frequency). This variant has not been reported in the literature in individuals affected with AXIN2-related conditions. ClinVar contains an entry for this variant (Variation ID: 3470560). An algorithm developed to predict the effect of missense changes on protein structure and function outputs the following: PolyPhen-2: "Benign". The lysine amino acid residue is found in multiple mammalian species, which suggests that this missense change does not adversely affect protein function. In summary, the available evidence is currently insufficient to determine the role of this variant in disease. Therefore, it has been classified as a Variant of Uncertain Significance.

Ambry Genetics
Classification: Uncertain significance for Hereditary cancer-predisposing syndrome. Last evaluated: 2024-10-13. Review status: criteria provided, single submitter. Criteria: Ambry Variant Classification Scheme 2023. Collection method: clinical testing. Allele origin: germline.
Comment: The p.R595K variant (also known as c.1784G>A), located in coding exon 6 of the AXIN2 gene, results from a G to A substitution at nucleotide position 1784. The arginine at codon 595 is replaced by lysine, an amino acid with highly similar properties. This amino acid position is conserved. In addition, this alteration is predicted to be tolerated by in silico analysis. Based on the available evidence, the clinical significance of this variant remains unclear.

NM_004655.4(AXIN2):c.1784G>A (p.Arg595Lys)

Gene: AXIN2 (axin 2; minus strand). Cytogenetic location: 17q24.1.
Variant type: single nucleotide variant.
Coding change: c.1784G>A on transcript NM_004655.4 (MANE Select); coding-DNA position 1784, G replaced by A.
Protein change: p.Arg595Lys; replaces arginine 595 with lysine.
Molecular consequence: missense variant. On other transcripts: intron variant (1).
Genome position (GRCh38, 1-based): chr17:65,536,992, C>T on the plus strand (G>A on the coding strand, the complement: AXIN2 is on the minus strand). VCF-style: chr17-65536992-C-T. GRCh37 (hg19) VCF-style: chr17-63533110-C-T.
Other names: c.1712+332G>A (NM_001363813.1); short protein forms R595K.
Identifiers: ClinVar variation 3470560 (VCV003470560.2).
Genomic context (GRCh38, chr17:65,536,992, plus strand): 5'-CTGTCTCCTTCCTCCCGGGGAAGCTGCAGGGCCCCAGCTCCGCCGGGGGCCCCTCCTTCC[C>T]TGGCGGGCAGGGCCAGGCCCGGCTCCGTGCCTTTCCCATTGCGTTTGGGCAAGGTACTGC-3'
Protein context (NP_004646.3, residues 585-605): GTEPGLALPA[Arg595Lys]EGGAPGGAGA